The following is an entry in ClinVar:

ClinVar aggregate classification (germline): Uncertain significance (1 of 4 stars; one submission).

Conditions:
Dyskeratosis congenita, autosomal recessive 5 (DKCB5). Identifiers: MedGen C3554656, MONDO:0014076, OMIM 615190.
Pulmonary fibrosis and/or bone marrow failure, Telomere-related, 3. Also called: PULMONARY FIBROSIS AND/OR BONE MARROW FAILURE SYNDROME, TELOMERE-RELATED, 3. Identifiers: Orphanet 2032, MedGen C4225346, MONDO:0014613, OMIM 616373.

gnomAD v4.1: 8 of 1,612,344 alleles (0.0005%); highest among the groups gnomAD compares: East Asian, 0.0045%; no homozygotes.

Submission:

Labcorp Genetics (formerly Invitae), Labcorp
Classification: Uncertain significance for Dyskeratosis congenita, autosomal recessive 5; Pulmonary fibrosis and/or bone marrow failure, Telomere-related, 3. Last evaluated: 2023-04-30. Review status: criteria provided, single submitter. Criteria: Invitae Variant Classification Sherloc (09022015). Collection method: clinical testing. Allele origin: germline.
Comment: This sequence change falls in intron 8 of the RTEL1 gene. It does not directly change the encoded amino acid sequence of the RTEL1 protein. It affects a nucleotide within the consensus splice site. In summary, the available evidence is currently insufficient to determine the role of this variant in disease. Therefore, it has been classified as a Variant of Uncertain Significance. Variants that disrupt the consensus splice site are a relatively common cause of aberrant splicing (PMID: 17576681, 9536098). Algorithms developed to predict the effect of sequence changes on RNA splicing suggest that this variant may disrupt the consensus splice site. This variant has not been reported in the literature in individuals affected with RTEL1-related conditions. This variant is not present in population databases (gnomAD no frequency).

Literature cited by the submitters: PubMed 17576681; PubMed 9536098.

NM_001283009.2(RTEL1):c.699+3G>T

Genes: RTEL1 (regulator of telomere elongation helicase 1; plus strand), RTEL1-TNFRSF6B (RTEL1-TNFRSF6B readthrough (NMD candidate); plus strand). Cytogenetic location: 20q13.33.
Variant type: single nucleotide variant.
Coding change: c.699+3G>T on transcript NM_001283009.2 (MANE Select); 3 bases into the intron after coding-DNA position 699, G replaced by T.
Molecular consequence: intron variant.
Genome position (GRCh38, 1-based): chr20:63,667,556, G>T. VCF-style: chr20-63667556-G-T. GRCh37 (hg19) VCF-style: chr20-62298909-G-T.
Other names: c.30+3G>T (NM_001283010.1); c.771+3G>T (NM_032957.5); c.699+3G>T (NM_016434.4).
Identifiers: ClinVar variation 2924962 (VCV002924962.3), dbSNP rs1337481938, ClinGen allele CA1019303606.